The following is an entry in ClinVar:

ClinVar aggregate classification (germline): Benign (1 of 4 stars; one submission).

Allele frequency attached by ClinVar (database versions not stated): TOPMed 0.97057; gnomAD 0.97061 and 0.97095; 1000 Genomes Project 0.98722; 1000 Genomes Project 30x 0.98751.
gnomAD v4.1: 147,772 of 152,184 alleles (97%); highest among the groups gnomAD compares: East Asian, 100%; 71,782 homozygotes.

Submission:

GeneDx
Classification: Benign. Last evaluated: 2018-06-14. Review status: criteria provided, single submitter. Criteria: GeneDx Variant Classification (06012015). Collection method: clinical testing. Allele origin: germline. Affected: yes.
Comment: This variant is considered likely benign or benign based on one or more of the following criteria: it is a conservative change, it occurs at a poorly conserved position in the protein, it is predicted to be benign by multiple in silico algorithms, and/or has population frequency not consistent with disease.

NM_206933.4(USH2A):c.3157+254G>A

Genes: USH2A (usherin; minus strand), USH2A-AS1 (USH2A antisense RNA 1; plus strand). Cytogenetic location: 1q41.
Variant type: single nucleotide variant.
Coding change: c.3157+254G>A on transcript NM_206933.4 (MANE Select); 254 bases into the intron after coding-DNA position 3157, G replaced by A.
Molecular consequence: intron variant.
Genome position (GRCh38, 1-based): chr1:216,217,133, C>T on the plus strand (G>A on the coding strand, the complement: USH2A is on the minus strand). VCF-style: chr1-216217133-C-T. GRCh37 (hg19) VCF-style: chr1-216390475-C-T.
Other names: c.3157+254G>A (NM_007123.6).
Identifiers: ClinVar variation 667894 (VCV000667894.1), dbSNP rs419767, ClinGen allele CA37486161.
Genomic context (GRCh38, chr1:216,217,133, plus strand): 5'-ATTAAAAGTCTTGTGTCCTGGGAAGACCCTTGGTCTGGGAAAACCTAGGACTTTAATCAC[C>T]TCATTGTTGATTTCACTCCAAAAAACTATTGTAAATTTCCCACCATGAACATAATTATAT-3'